The following is an entry in ClinVar:

ClinVar aggregate classification (germline): Pathogenic/Likely pathogenic. Review status: criteria provided, multiple submitters, no conflicts (2 of 4 stars). 2 submissions from 2 submitters: Pathogenic (1); Likely pathogenic (1). Last evaluated 2022-05-13.

Submissions (2):

Labcorp Genetics (formerly Invitae), Labcorp
Classification: Pathogenic. Last evaluated: 2022-05-13. Review status: criteria provided, single submitter. Criteria: Invitae Variant Classification Sherloc (09022015). Collection method: clinical testing. Allele origin: germline.
Comment: For these reasons, this variant has been classified as Pathogenic. This variant has not been reported in the literature in individuals affected with ZMYND11-related conditions. This variant is not present in population databases (gnomAD no frequency). This sequence change creates a premature translational stop signal (p.Cys463Serfs*6) in the ZMYND11 gene. It is expected to result in an absent or disrupted protein product. Loss-of-function variants in ZMYND11 are known to be pathogenic (PMID: 25217958).

CeGaT Center for Human Genetics Tuebingen
Classification: Likely pathogenic. Last evaluated: 2019-08-01. Review status: criteria provided, single submitter. Criteria: CeGaT Center For Human Genetics Tuebingen Variant Classification Criteria Version 2. Collection method: clinical testing. Allele origin: germline. Affected: yes. Observed: 1 variant allele.

Literature cited by the submitters: PubMed 25217958 (cited by Labcorp Genetics (formerly Invitae), Labcorp).

NM_001370100.5(ZMYND11):c.1388_1389del (p.Cys463fs)

Genes: ZMYND11 (zinc finger MYND-type containing 11; plus strand), LOC126860802 (BRD4-independent group 4 enhancer GRCh37_chr10:294268-295467; plus strand). Cytogenetic location: 10p15.3.
Variant type: Microsatellite.
Coding change: c.1388_1389del on transcript NM_001370100.5 (MANE Select); coding-DNA positions 1388 to 1389, 2 bases deleted (GT; older notation c.1388_1389delGT).
Protein change: p.Cys463fs; shifts the reading frame from cysteine 463.
Molecular consequence: frameshift variant. On other transcripts: non-coding transcript variant (1).
Genome position (GRCh38, 1-based): chr10:248,496-248,497, GT deleted; deleting any 2 consecutive bases within chr10:248,492-248,497 gives the same sequence; the c. name uses the placement nearest the transcript's 3' end. VCF-style (leftmost placement, unchanged base first): chr10-248491-CGT-C. GRCh37 (hg19) VCF-style: chr10-294431-CGT-C.
Other names: c.1226_1227del, p.Cys409fs (NM_001202464.3, NM_001202467.1, NM_001370103.2 and 6 more transcripts); c.1133_1134del, p.Cys378fs (NM_001202465.3, NM_001370110.2); c.1223_1224del, p.Cys408fs (NM_001202466.3, NM_001370111.2); c.1388_1389del, p.Cys463fs (NM_001202468.1, NM_001370097.3, NM_001370098.2 and 4 more transcripts); c.1337_1338del, p.Cys446fs (NM_001330057.3, NM_001370112.2); c.1295_1296del, p.Cys432fs (NM_001370113.2, NM_001370114.2); c.1385_1386del, p.Cys462fs (NM_001370115.2, NM_212479.4); c.1322_1323del, p.Cys441fs (NM_001370116.2); and 8 more; short protein forms C423fs, C462fs, C344fs, C387fs, C409fs, C432fs, C306fs, C414fs.
Identifiers: ClinVar variation 872160 (VCV000872160.46), dbSNP rs1952647904, ClinGen allele CA1139661375.